The following is an entry in ClinVar:

NM_017570.5(OPLAH):c.2792A>G (p.Gln931Arg)

Gene: OPLAH (5-oxoprolinase, ATP-hydrolysing; minus strand). Cytogenetic location: 8q24.3.
Variant type: single nucleotide variant.
Coding change: c.2792A>G on transcript NM_017570.5 (MANE Select); coding-DNA position 2792, A replaced by G.
Protein change: p.Gln931Arg; replaces glutamine 931 with arginine.
Molecular consequence: missense variant.
Genome position (GRCh38, 1-based): chr8:144,053,288, T>C on the plus strand (A>G on the coding strand, the complement: OPLAH is on the minus strand). VCF-style: chr8-144053288-T-C. GRCh37 (hg19) VCF-style: chr8-145108191-T-C.
Other names: short protein forms Q931R.
Identifiers: ClinVar variation 790907 (VCV000790907.10), dbSNP rs200702041, ClinGen allele CA4931328.

ClinVar aggregate classification (germline): Likely benign. Review status: criteria provided, multiple submitters, no conflicts (2 of 4 stars). 2 submissions from 2 submitters: Likely benign (2). Last evaluated 2025-12-24.

Conditions:
OPLAH-related disorder. Also called: OPLAH-related condition.
5-Oxoprolinase deficiency (OPLAHD). Also called: 5-OXOPROLINURIA DUE TO 5-OXOPROLINASE DEFICIENCY. Identifiers: Orphanet 33572, MedGen C0268525, MONDO:0009825, OMIM 260005, HP:0040142.

Allele frequency attached by ClinVar (database versions not stated): 1000 Genomes Project 0.00040; 1000 Genomes Project 30x 0.00047; gnomAD exomes 0.00250 and 0.00456; gnomAD 0.00255 and 0.00262; TOPMed 0.00271; ExAC 0.00288; ESP Exome Variant Server 0.00382.
gnomAD v4.1: 6,979 of 1,613,050 alleles (0.43%); highest among the groups gnomAD compares: Non-Finnish European, 0.56%; 18 homozygotes.

Submissions (2):

Labcorp Genetics (formerly Invitae), Labcorp
Classification: Likely benign for 5-Oxoprolinase deficiency. Last evaluated: 2025-12-24. Review status: criteria provided, single submitter. Criteria: Invitae Variant Classification Sherloc (09022015). Collection method: clinical testing. Allele origin: germline.

PreventionGenetics, part of Exact Sciences
Classification: Likely benign for OPLAH-related condition. Last evaluated: 2025-12-03. Review status: criteria provided, single submitter. Criteria: ACMG Guidelines, 2015. Collection method: clinical testing. Allele origin: germline.
Comment: This variant is classified as likely benign based on ACMG/AMP sequence variant interpretation guidelines (Richards et al. 2015 PMID: 25741868, with internal and published modifications).